The following is an entry in ClinVar:

ClinVar aggregate classification (germline): Uncertain significance (1 of 4 stars; one submission).

Conditions:
Myopathy, proximal, and ophthalmoplegia (CMYO6). Also called: MYOPATHY WITH CONGENITAL JOINT CONTRACTURES, OPHTHALMOPLEGIA, AND RIMMED VACUOLES; INCLUSION BODY MYOPATHY 3, AUTOSOMAL DOMINANT; CONGENITAL MYOPATHY 6 WITH OPHTHALMOPLEGIA. Identifiers: Orphanet 363677, Orphanet 79091, MedGen C1854106, MONDO:0011577, OMIM 605637.

Submission:

Labcorp Genetics (formerly Invitae), Labcorp
Classification: Uncertain significance for Myopathy, proximal, and ophthalmoplegia. Last evaluated: 2018-10-10. Review status: criteria provided, single submitter. Criteria: Invitae Variant Classification Sherloc (09022015). Collection method: clinical testing. Allele origin: germline.
Comment: This sequence change replaces histidine with asparagine at codon 361 of the MYH2 protein (p.His361Asn). The histidine residue is highly conserved and there is a small physicochemical difference between histidine and asparagine. This variant is not present in population databases (ExAC no frequency). This variant has not been reported in the literature in individuals with MYH2-related disease. Algorithms developed to predict the effect of missense changes on protein structure and function are either unavailable or do not agree on the potential impact of this missense change (SIFT: "Deleterious"; PolyPhen-2: "Benign"; Align-GVGD: "Class C65"). In summary, the available evidence is currently insufficient to determine the role of this variant in disease. Therefore, it has been classified as a Variant of Uncertain Significance.

NM_017534.6(MYH2):c.1081C>A (p.His361Asn)

Genes: MYH2 (myosin heavy chain 2; minus strand), MYHAS (myosin heavy chain gene cluster antisense RNA; plus strand). Cytogenetic location: 17p13.1.
Variant type: single nucleotide variant.
Coding change: c.1081C>A on transcript NM_017534.6 (MANE Select); coding-DNA position 1081, C replaced by A.
Protein change: p.His361Asn; replaces histidine 361 with asparagine.
Molecular consequence: missense variant.
Genome position (GRCh38, 1-based): chr17:10,539,994, G>T on the plus strand (C>A on the coding strand, the complement: MYH2 is on the minus strand). VCF-style: chr17-10539994-G-T. GRCh37 (hg19) VCF-style: chr17-10443311-G-T.
Other names: c.1081C>A, p.His361Asn (NM_001100112.2); short protein forms H361N.
Identifiers: ClinVar variation 640244 (VCV000640244.6), dbSNP rs752699239, ClinGen allele CA398163026.
Genomic context (GRCh38, chr17:10,539,994, plus strand): 5'-TGCCATCTGGCTCTGCTTGCTCCTCACGCTGCTTTTGCTTAAATTTTAGGTTCCCATAAT[G>T]CATCACAGCCCCCGTGAGCTTGTAAATGGAGACCTTTTCTTCATTAGTAAAGCCCAAAAT-3'
Protein context (NP_060004.3, residues 351-371): SIYKLTGAVM[His361Asn]YGNLKFKQKQ